The following is an entry in ClinVar:

NM_018979.4(WNK1):c.6310A>G (p.Lys2104Glu)

Gene: WNK1 (WNK lysine deficient protein kinase 1; plus strand). Cytogenetic location: 12p13.33.
Variant type: single nucleotide variant.
Coding change: c.6310A>G on transcript NM_018979.4 (MANE Select); coding-DNA position 6310, A replaced by G.
Protein change: p.Lys2104Glu; replaces lysine 2104 with glutamic acid.
Molecular consequence: missense variant.
Genome position (GRCh38, 1-based): chr12:897,543, A>G. VCF-style: chr12-897543-A-G. GRCh37 (hg19) VCF-style: chr12-1006709-A-G.
Other names: c.7090A>G, p.Lys2364Glu (NM_001184985.2); c.5566A>G, p.Lys1856Glu (NM_014823.3); c.7066A>G, p.Lys2356Glu (NM_213655.5); short protein forms K1856E, K2104E, K2364E, K2356E.
Identifiers: ClinVar variation 665351 (VCV000665351.2), dbSNP rs1310976331, ClinGen allele CA383337157.

ClinVar aggregate classification (germline): Uncertain significance. Review status: criteria provided, multiple submitters, no conflicts (2 of 4 stars). 2 submissions from 2 submitters: Uncertain significance (2). Last evaluated 2021-10-27.

Conditions:
Pseudohypoaldosteronism type 2C (PHA2C). Also called: Pseudohypoaldosteronism Type IIC. Identifiers: Orphanet 757, Orphanet 88940, MedGen C1840391, MONDO:0013778, OMIM 614492.
Neuropathy, hereditary sensory and autonomic, type 2A (HSAN2A). Also called: ACROOSTEOLYSIS, GIACCAI TYPE; ACROOSTEOLYSIS, NEUROGENIC; HSAN IIA; WNK1-Related HSAN2 (HSAN2A); MORVAN DISEASE; NEUROPATHY, CONGENITAL SENSORY. Identifiers: Orphanet 970, MedGen C2752089, MONDO:0024309, OMIM 201300.

Allele frequency attached by ClinVar (database versions not stated): gnomAD exomes below 0.00001.
gnomAD v4.1: 2 of 1,613,908 alleles (0.00012%); highest among the groups gnomAD compares: East Asian, 0.0022%; no homozygotes.

Submissions (2):

Fulgent Genetics
Classification: Uncertain significance for Neuropathy, hereditary sensory and autonomic, type 2A; Pseudohypoaldosteronism type 2C. Last evaluated: 2021-10-27. Review status: criteria provided, single submitter. Criteria: ACMG Guidelines, 2015. Collection method: clinical testing. Allele origin: unknown.

Labcorp Genetics (formerly Invitae), Labcorp
Classification: Uncertain significance for Hereditary sensory and autonomic neuropathy type IIA; Pseudohypoaldosteronism type 2C. Last evaluated: 2018-09-19. Review status: criteria provided, single submitter. Criteria: Invitae Variant Classification Sherloc (09022015). Collection method: clinical testing. Allele origin: germline.
Comment: This sequence change replaces lysine with glutamic acid at codon 2104 of the WNK1 protein (p.Lys2104Glu). The lysine residue is highly conserved and there is a small physicochemical difference between lysine and glutamic acid. This variant is not present in population databases (ExAC no frequency). This variant has not been reported in the literature in individuals with WNK1-related disease. Algorithms developed to predict the effect of missense changes on protein structure and function are either unavailable or do not agree on the potential impact of this missense change (SIFT: "Deleterious"; PolyPhen-2: "Possibly Damaging"; Align-GVGD: "Class C0"). In summary, the available evidence is currently insufficient to determine the role of this variant in disease. Therefore, it has been classified as a Variant of Uncertain Significance.